The following is an entry in ClinVar:

ClinVar aggregate classification (germline): Uncertain significance. Review status: criteria provided, multiple submitters, no conflicts (2 of 4 stars). 3 submissions from 3 submitters: Uncertain significance (3). Last evaluated 2025-09-19.

Conditions:
Cardiovascular phenotype. Identifiers: MedGen CN230736.
Long QT syndrome (LQTS). Identifiers: MedGen C0023976, MeSH D008133, MONDO:0002442. Disease mechanism: loss of function. Inheritance: Various modes of inheritance.
Long QT syndrome 8. Identifiers: MedGen CN260585, MONDO:0032756, OMIM 618447.
Timothy syndrome (TS). Also called: LONG QT SYNDROME WITH SYNDACTYLY. Identifiers: Orphanet 65283, MedGen C1832916, MeSH C536962, MONDO:0010979, OMIM 601005.
Brugada syndrome 3 (BRGDA3). Identifiers: Orphanet 130, MedGen C2678478, MONDO:0012742, OMIM 611875.

Allele frequency attached by ClinVar (database versions not stated): gnomAD exomes below 0.00001; gnomAD 0.00001; TOPMed 0.00001.
gnomAD v4.1: 8 of 1,607,946 alleles (0.0005%); highest among the groups gnomAD compares: Non-Finnish European, 0.00068%; no homozygotes.

Submissions (3):

Labcorp Genetics (formerly Invitae), Labcorp
Classification: Uncertain significance for Long QT syndrome. Last evaluated: 2025-09-19. Review status: criteria provided, single submitter. Criteria: Invitae Variant Classification Sherloc (09022015). Collection method: clinical testing. Allele origin: germline.
Comment: This sequence change replaces valine, which is neutral and non-polar, with methionine, which is neutral and non-polar, at codon 162 of the CACNA1C protein (p.Val162Met). This variant is not present in population databases (gnomAD no frequency). This variant has not been reported in the literature in individuals affected with CACNA1C-related conditions. ClinVar contains an entry for this variant (Variation ID: 640570). Invitae Evidence Modeling of protein sequence and biophysical properties (such as structural, functional, and spatial information, amino acid conservation, physicochemical variation, residue mobility, and thermodynamic stability) has been performed for this missense variant. However, the output from this modeling did not meet the statistical confidence thresholds required to predict the impact of this variant on CACNA1C protein function. In summary, the available evidence is currently insufficient to determine the role of this variant in disease. Therefore, it has been classified as a Variant of Uncertain Significance.

Ambry Genetics
Classification: Uncertain significance for Cardiovascular phenotype. Last evaluated: 2023-09-11. Review status: criteria provided, single submitter. Criteria: Ambry Variant Classification Scheme 2023. Collection method: clinical testing. Allele origin: germline.
Comment: The p.V162M variant (also known as c.484G>A), located in coding exon 4 of the CACNA1C gene, results from a G to A substitution at nucleotide position 484. The valine at codon 162 is replaced by methionine, an amino acid with highly similar properties. This amino acid position is highly conserved in available vertebrate species. In addition, this alteration is predicted to be deleterious by in silico analysis. Since supporting evidence is limited at this time, the clinical significance of this alteration remains unclear.

Fulgent Genetics
Classification: Uncertain significance for Timothy syndrome; Brugada syndrome 3; Long QT syndrome 8. Last evaluated: 2021-09-06. Review status: criteria provided, single submitter. Criteria: ACMG Guidelines, 2015. Collection method: clinical testing. Allele origin: unknown.

NM_000719.7(CACNA1C):c.484G>A (p.Val162Met)

Gene: CACNA1C (calcium voltage-gated channel subunit alpha1 C; plus strand). Cytogenetic location: 12p13.33.
Variant type: single nucleotide variant.
Coding change: c.484G>A on transcript NM_000719.7 (MANE Select); coding-DNA position 484, G replaced by A.
Protein change: p.Val162Met; replaces valine 162 with methionine.
Molecular consequence: missense variant.
Genome position (GRCh38, 1-based): chr12:2,448,982, G>A. VCF-style: chr12-2448982-G-A. GRCh37 (hg19) VCF-style: chr12-2558148-G-A.
Other names: c.484G>A, p.Val162Met (NM_001129843.2, NM_001129844.2, NM_001129846.2 and 19 more transcripts); short protein forms V162M.
Identifiers: ClinVar variation 640570 (VCV000640570.13), dbSNP rs1243482248, ClinGen allele CA383367276.